The following is an entry in ClinVar:

NM_001042492.3(NF1):c.7911A>T (p.Arg2637=)

Gene: NF1 (neurofibromin 1; plus strand). Cytogenetic location: 17q11.2.
Variant type: single nucleotide variant.
Coding change: c.7911A>T on transcript NM_001042492.3 (MANE Select); coding-DNA position 7911, A replaced by T.
Protein change: p.Arg2637=; no amino-acid change (arginine 2637 retained).
Molecular consequence: synonymous variant.
Genome position (GRCh38, 1-based): chr17:31,357,310, A>T. VCF-style: chr17-31357310-A-T. GRCh37 (hg19) VCF-style: chr17-29684328-A-T.
Other names: c.7848A>T, p.Arg2616= (NM_000267.4).
Identifiers: ClinVar variation 729422 (VCV000729422.9), dbSNP rs1597866885, ClinGen allele CA499340725.

ClinVar aggregate classification (germline): Benign/Likely benign. Review status: criteria provided, multiple submitters, no conflicts (2 of 4 stars). 2 submissions from 2 submitters: Benign (1); Likely benign (1). Last evaluated 2026-05-22.

Conditions:
Neurofibromatosis, type 1 (NF1). Also called: Neurofibromatosis, type I; VON RECKLINGHAUSEN DISEASE; NEUROFIBROMATOSIS, TYPE I, SOMATIC; Peripheral type neurofibromatosis. Identifiers: Orphanet 636, MedGen C0027831, MONDO:0018975, OMIM 162200. Disease mechanism: loss of function.

Submissions (2):

Myriad Genetics, Inc.
Classification: Benign for Neurofibromatosis, type 1. Last evaluated: 2026-05-22. Review status: criteria provided, single submitter. Criteria: Myriad Autosomal Dominant, Autosomal Recessive and X-Linked Classification Criteria (2023). Collection method: clinical testing. Allele origin: unknown.
Comment: This variant is considered benign. This variant is a silent/synonymous amino acid change and it is not expected to impact splicing.

Labcorp Genetics (formerly Invitae), Labcorp
Classification: Likely benign for Neurofibromatosis, type 1. Last evaluated: 2024-06-06. Review status: criteria provided, single submitter. Criteria: Invitae Variant Classification Sherloc (09022015). Collection method: clinical testing. Allele origin: germline.